The following is an entry in ClinVar:

ClinVar aggregate classification (germline): Uncertain significance (1 of 4 stars; one submission).

Conditions:
Adenylosuccinate lyase deficiency (ADSLD). Also called: ADSL DEFICIENCY. Identifiers: Orphanet 46, MedGen C0268126, MONDO:0007068, OMIM 103050.

Allele frequency attached by ClinVar (database versions not stated): ESP Exome Variant Server 0.00008; TOPMed below 0.00001; gnomAD 0.00001; gnomAD exomes 0.00001.
gnomAD v4.1: 4 of 1,614,128 alleles (0.00025%); highest among the groups gnomAD compares: Admixed American, 0.0033%; no homozygotes.

Submission:

Labcorp Genetics (formerly Invitae), Labcorp
Classification: Uncertain significance for Adenylosuccinate lyase deficiency. Last evaluated: 2022-08-10. Review status: criteria provided, single submitter. Criteria: Invitae Variant Classification Sherloc (09022015). Collection method: clinical testing. Allele origin: germline.
Comment: This sequence change replaces serine, which is neutral and polar, with glycine, which is neutral and non-polar, at codon 151 of the ADSL protein (p.Ser151Gly). This variant is present in population databases (rs147194356, gnomAD 0.003%). This variant has not been reported in the literature in individuals affected with ADSL-related conditions. ClinVar contains an entry for this variant (Variation ID: 645638). Advanced modeling of protein sequence and biophysical properties (such as structural, functional, and spatial information, amino acid conservation, physicochemical variation, residue mobility, and thermodynamic stability) performed at Invitae indicates that this missense variant is not expected to disrupt ADSL protein function. In summary, the available evidence is currently insufficient to determine the role of this variant in disease. Therefore, it has been classified as a Variant of Uncertain Significance.

NM_000026.4(ADSL):c.451A>G (p.Ser151Gly)

Gene: ADSL (adenylosuccinate lyase; plus strand). Cytogenetic location: 22q13.1.
Variant type: single nucleotide variant.
Coding change: c.451A>G on transcript NM_000026.4 (MANE Select); coding-DNA position 451, A replaced by G.
Protein change: p.Ser151Gly; replaces serine 151 with glycine.
Molecular consequence: missense variant. On other transcripts: non-coding transcript variant (1).
Genome position (GRCh38, 1-based): chr22:40,354,296, A>G. VCF-style: chr22-40354296-A-G. GRCh37 (hg19) VCF-style: chr22-40750300-A-G.
Other names: c.451A>G, p.Ser151Gly (NM_001123378.3, NM_001363840.3); c.259A>G, p.Ser87Gly (NM_001317923.2); short protein forms S151G, S87G.
Identifiers: ClinVar variation 645638 (VCV000645638.6), dbSNP rs147194356, ClinGen allele CA324453005.
Genomic context (GRCh38, chr22:40,354,296, plus strand): 5'-TCTTTCTTGTAGCTTGCCAGAGTGATCTCTCGGCTTGCCGACTTTGCTAAGGAACGAGCC[A>G]GTCTACCCACATTAGGTTTCACACATTTCCAGTAAGTGATAAGATTACTTCTTGTTTATG-3'
Protein context (NP_000017.1, residues 141-161): RLADFAKERA[Ser151Gly]LPTLGFTHFQ